The following is an entry in ClinVar:

ClinVar aggregate classification (germline): Uncertain significance (1 of 4 stars; one submission).

Submission:

Laboratory for Molecular Medicine, Mass General Brigham Personalized Medicine
Classification: Uncertain significance. Last evaluated: 2018-08-16. Review status: criteria provided, single submitter. Criteria: LMM Criteria. Collection method: clinical testing. Allele origin: germline. Observed: 1 variant allele.
Comment: The p.Cys1195Ser variant in USH2A has not been previously reported in individual s with hearing loss or Usher syndrome and was absent from large population studi es. Computational prediction tools and conservation analysis do not provide stro ng support for or against an impact to the protein. In summary, the clinical sig nificance of the p.Cys1195Ser variant is uncertain. ACMG/AMP Criteria applied: P M2.

NM_206933.4(USH2A):c.3584G>C (p.Cys1195Ser)

Genes: USH2A (usherin; minus strand), USH2A-AS1 (USH2A antisense RNA 1; plus strand). Cytogenetic location: 1q41.
Variant type: single nucleotide variant.
Coding change: c.3584G>C on transcript NM_206933.4 (MANE Select); coding-DNA position 3584, G replaced by C.
Protein change: p.Cys1195Ser; replaces cysteine 1195 with serine.
Molecular consequence: missense variant.
Genome position (GRCh38, 1-based): chr1:216,199,854, C>G on the plus strand (G>C on the coding strand, the complement: USH2A is on the minus strand). VCF-style: chr1-216199854-C-G. GRCh37 (hg19) VCF-style: chr1-216373196-C-G.
Other names: c.3584G>C, p.Cys1195Ser (NM_007123.6); short protein forms C1195S.
Identifiers: ClinVar variation 666948 (VCV000666948.4), dbSNP rs727504652, ClinGen allele CA344868120.